The following is an entry in ClinVar:

ClinVar aggregate classification (germline): Uncertain significance (1 of 4 stars; one submission).

Conditions:
Spondyloepiphyseal dysplasia with congenital joint dislocations (SEDCJD). Also called: Chondrodysplasia with Congenital Joint Dislocations, CHST3-Related. Identifiers: Orphanet 263463, MedGen C1837657, MONDO:0007738, OMIM 143095.

Allele frequency attached by ClinVar (database versions not stated): ExAC 0.00001; TOPMed 0.00001; gnomAD exomes 0.00002.
gnomAD v4.1: 3 of 1,605,408 alleles (0.00019%); highest among the groups gnomAD compares: Non-Finnish European, 0.00026%; no homozygotes.

Submission:

Labcorp Genetics (formerly Invitae), Labcorp
Classification: Uncertain significance for Spondyloepiphyseal dysplasia with congenital joint dislocations. Last evaluated: 2021-07-28. Review status: criteria provided, single submitter. Criteria: Invitae Variant Classification Sherloc (09022015). Collection method: clinical testing. Allele origin: germline.
Comment: In summary, the available evidence is currently insufficient to determine the role of this variant in disease. Therefore, it has been classified as a Variant of Uncertain Significance. Algorithms developed to predict the effect of missense changes on protein structure and function output the following: SIFT: "Tolerated"; PolyPhen-2: "Benign"; Align-GVGD: "Class C0". The lysine amino acid residue is found in multiple mammalian species, which suggests that this missense change does not adversely affect protein function. This variant has not been reported in the literature in individuals affected with CHST3-related conditions. This variant is present in population databases (rs751470049, ExAC 0.002%). This sequence change replaces glutamic acid with lysine at codon 112 of the CHST3 protein (p.Glu112Lys). The glutamic acid residue is weakly conserved and there is a small physicochemical difference between glutamic acid and lysine.

NM_004273.5(CHST3):c.334G>A (p.Glu112Lys)

Gene: CHST3 (carbohydrate sulfotransferase 3; plus strand). Cytogenetic location: 10q22.1.
Variant type: single nucleotide variant.
Coding change: c.334G>A on transcript NM_004273.5 (MANE Select); coding-DNA position 334, G replaced by A.
Protein change: p.Glu112Lys; replaces glutamic acid 112 with lysine.
Molecular consequence: missense variant.
Genome position (GRCh38, 1-based): chr10:72,007,365, G>A. VCF-style: chr10-72007365-G-A. GRCh37 (hg19) VCF-style: chr10-73767123-G-A.
Other names: short protein forms E112K.
Identifiers: ClinVar variation 1414025 (VCV001414025.6), dbSNP rs751470049, ClinGen allele CA5548066.